The following is an entry in ClinVar:

ClinVar aggregate classification (germline): Uncertain significance. Review status: criteria provided, multiple submitters, no conflicts (2 of 4 stars). 5 submissions from 5 submitters: Uncertain significance (5). Last evaluated 2025-07-15.

Conditions:
Autoinflammatory syndrome. Identifiers: Orphanet 93665, MedGen C3890737, MONDO:0019751.
Sneddon syndrome (SNDNS). Also called: LIVEDO RETICULARIS AND CEREBROVASCULAR ACCIDENTS; Idiopathic livedo reticularis with systemic involvement. Identifiers: Orphanet 820, MedGen C0282492, MONDO:0008436, OMIM 182410.
Deficiency of adenosine deaminase 2. Also called: Polyarteritis nodosa, childhoood-onset; Adenosine Deaminase 2 Deficiency; VASCULITIS, AUTOINFLAMMATION, IMMUNODEFICIENCY, AND HEMATOLOGIC DEFECTS SYNDROME. Identifiers: Orphanet 404553, MedGen C3887654, MONDO:0014306, OMIM 615688, MONDO:0100317.

Allele frequency attached by ClinVar (database versions not stated): TOPMed 0.00014; ESP Exome Variant Server 0.00031; gnomAD exomes 0.00004; ExAC 0.00007; gnomAD 0.00008.
gnomAD v4.1: 92 of 1,613,926 alleles (0.0057%); highest among the groups gnomAD compares: Middle Eastern, 0.016%; no homozygotes.

Submissions (5):

Mayo Clinic Laboratories, Mayo Clinic
Classification: Uncertain significance. Last evaluated: 2025-07-15. Review status: criteria provided, single submitter. Criteria: ACMG Guidelines, 2015. Collection method: clinical testing. Allele origin: germline. Observed: 1 variant allele.
Comment: BP4_moderate, PM2_supporting

Blueprint Genetics
Classification: Uncertain significance. Last evaluated: 2024-08-30. Review status: criteria provided, single submitter. Criteria: ACMG Guidelines, 2015. Collection method: clinical testing. Allele origin: germline.

Fulgent Genetics
Classification: Uncertain significance for Sneddon syndrome; Deficiency of adenosine deaminase 2. Last evaluated: 2024-06-13. Review status: criteria provided, single submitter. Criteria: ACMG Guidelines, 2015. Collection method: clinical testing. Allele origin: germline.

Labcorp Genetics (formerly Invitae), Labcorp
Classification: Uncertain significance for Deficiency of adenosine deaminase 2. Last evaluated: 2021-12-25. Review status: criteria provided, single submitter. Criteria: Invitae Variant Classification Sherloc (09022015). Collection method: clinical testing. Allele origin: germline.
Comment: This sequence change replaces alanine, which is neutral and non-polar, with valine, which is neutral and non-polar, at codon 35 of the ADA2 protein (p.Ala35Val). This variant is present in population databases (rs151283756, gnomAD 0.01%). This variant has not been reported in the literature in individuals affected with ADA2-related conditions. ClinVar contains an entry for this variant (Variation ID: 651648). Algorithms developed to predict the effect of missense changes on protein structure and function (SIFT, PolyPhen-2, Align-GVGD) all suggest that this variant is likely to be tolerated. Algorithms developed to predict the effect of sequence changes on RNA splicing suggest that this variant may create or strengthen a splice site. In summary, the available evidence is currently insufficient to determine the role of this variant in disease. Therefore, it has been classified as a Variant of Uncertain Significance.

Genome Diagnostics Laboratory, The Hospital for Sick Children
Classification: Uncertain significance for Autoinflammatory syndrome. Last evaluated: 2018-08-01. Review status: criteria provided, single submitter. Criteria: ACMG Guidelines, 2015. Collection method: clinical testing. Allele origin: germline. Affected: yes.

NM_001282225.2(ADA2):c.104C>T (p.Ala35Val)

Gene: ADA2 (adenosine deaminase 2; minus strand). Cytogenetic location: 22q11.1.
Variant type: single nucleotide variant.
Coding change: c.104C>T on transcript NM_001282225.2 (MANE Select); coding-DNA position 104, C replaced by T.
Protein change: p.Ala35Val; replaces alanine 35 with valine.
Molecular consequence: missense variant. On other transcripts: 5 prime UTR variant (2), intron variant (1).
Genome position (GRCh38, 1-based): chr22:17,209,574, G>A on the plus strand (C>T on the coding strand, the complement: ADA2 is on the minus strand). VCF-style: chr22-17209574-G-A. GRCh37 (hg19) VCF-style: chr22-17690464-G-A.
Other names: p.Ala35Val; c.104C>T, p.Ala35Val (NM_001282226.2); c.-23C>T (NM_001282227.2, NM_001282228.2); c.-38-2284C>T (NM_001282229.2); short protein forms A35V.
Identifiers: ClinVar variation 651648 (VCV000651648.12), dbSNP rs151283756, ClinGen allele CA10088333.